The following is an entry in ClinVar:

ClinVar aggregate classification (germline): Uncertain significance (1 of 4 stars; one submission).

Allele frequency attached by ClinVar (database versions not stated): gnomAD exomes 0.00001; TOPMed 0.00001; ExAC 0.00002.
gnomAD v4.1: 9 of 1,611,718 alleles (0.00056%); highest among the groups gnomAD compares: African/African-American, 0.0013%; no homozygotes.

Submission:

Labcorp Genetics (formerly Invitae), Labcorp
Classification: Uncertain significance. Last evaluated: 2022-08-16. Review status: criteria provided, single submitter. Criteria: Invitae Variant Classification Sherloc (09022015). Collection method: clinical testing. Allele origin: germline.
Comment: This sequence change replaces histidine, which is basic and polar, with arginine, which is basic and polar, at codon 11 of the SLC45A2 protein (p.His11Arg). This variant is present in population databases (rs772619431, gnomAD 0.007%). This variant has not been reported in the literature in individuals affected with SLC45A2-related conditions. Algorithms developed to predict the effect of missense changes on protein structure and function output the following: SIFT: "Tolerated"; PolyPhen-2: "Benign"; Align-GVGD: "Class C0". The arginine amino acid residue is found in multiple mammalian species, which suggests that this missense change does not adversely affect protein function. In summary, the available evidence is currently insufficient to determine the role of this variant in disease. Therefore, it has been classified as a Variant of Uncertain Significance.

NM_016180.5(SLC45A2):c.32A>G (p.His11Arg)

Gene: SLC45A2 (solute carrier family 45 member 2; minus strand). Cytogenetic location: 5p13.2.
Variant type: single nucleotide variant.
Coding change: c.32A>G on transcript NM_016180.5 (MANE Select); coding-DNA position 32, A replaced by G.
Protein change: p.His11Arg; replaces histidine 11 with arginine.
Molecular consequence: missense variant.
Genome position (GRCh38, 1-based): chr5:33,984,552, T>C on the plus strand (A>G on the coding strand, the complement: SLC45A2 is on the minus strand). VCF-style: chr5-33984552-T-C. GRCh37 (hg19) VCF-style: chr5-33984657-T-C.
Other names: c.32A>G, p.His11Arg (NM_001012509.4, NM_001297417.4); short protein forms H11R.
Identifiers: ClinVar variation 2087866 (VCV002087866.1), dbSNP rs772619431, ClinGen allele CA3225891.